The following is an entry in ClinVar:

ClinVar aggregate classification (germline): Uncertain significance (1 of 4 stars; one submission).

Conditions:
Intellectual developmental disorder, X-linked, syndromic, Hedera type. Also called: Syndromic X-linked intellectual disability Hedera type. Identifiers: Orphanet 93952, MedGen C1845543, MONDO:0010319, OMIM 300423.

gnomAD v4.1: 11 of 1,209,370 alleles (0.00091%); highest among the groups gnomAD compares: East Asian, 0.0059%; no homozygotes.

Submission:

Labcorp Genetics (formerly Invitae), Labcorp
Classification: Uncertain significance for Intellectual developmental disorder, X-linked, syndromic, Hedera type. Last evaluated: 2025-08-29. Review status: criteria provided, single submitter. Criteria: Invitae Variant Classification Sherloc (09022015). Collection method: clinical testing. Allele origin: germline.
Comment: This sequence change replaces arginine, which is basic and polar, with histidine, which is basic and polar, at codon 155 of the ATP6AP2 protein (p.Arg155His). This variant is present in population databases (rs746499876, gnomAD 0.008%). This variant has not been reported in the literature in individuals affected with ATP6AP2-related conditions. ClinVar contains an entry for this variant (Variation ID: 3716877). Invitae Evidence Modeling of protein sequence and biophysical properties (such as structural, functional, and spatial information, amino acid conservation, physicochemical variation, residue mobility, and thermodynamic stability) indicates that this missense variant is not expected to disrupt ATP6AP2 protein function with a negative predictive value of 80%. In summary, the available evidence is currently insufficient to determine the role of this variant in disease. Therefore, it has been classified as a Variant of Uncertain Significance.

NM_005765.3(ATP6AP2):c.464G>A (p.Arg155His)

Gene: ATP6AP2 (ATPase H+ transporting accessory protein 2; plus strand). Cytogenetic location: Xp11.4.
Variant type: single nucleotide variant.
Coding change: c.464G>A on transcript NM_005765.3 (MANE Select); coding-DNA position 464, G replaced by A.
Protein change: p.Arg155His; replaces arginine 155 with histidine.
Molecular consequence: missense variant.
Genome position (GRCh38, 1-based): chrX:40,597,594, G>A. VCF-style: chrX-40597594-G-A. GRCh37 (hg19) VCF-style: chrX-40456846-G-A.
Other names: short protein forms R155H.
Identifiers: ClinVar variation 3716877 (VCV003716877.2).